The following is an entry in ClinVar:

NM_000051.4(ATM):c.4786C>G (p.His1596Asp)

Gene: ATM (ATM serine/threonine kinase; plus strand). Cytogenetic location: 11q22.3.
Variant type: single nucleotide variant.
Coding change: c.4786C>G on transcript NM_000051.4 (MANE Select); coding-DNA position 4786, C replaced by G.
Protein change: p.His1596Asp; replaces histidine 1596 with aspartic acid.
Molecular consequence: missense variant.
Genome position (GRCh38, 1-based): chr11:108,294,936, C>G. VCF-style: chr11-108294936-C-G. GRCh37 (hg19) VCF-style: chr11-108165663-C-G.
Other names: c.4786C>G, p.His1596Asp (NM_001351834.2); short protein forms H1596D.
Identifiers: ClinVar variation 481207 (VCV000481207.5), dbSNP rs1555101635, ClinGen allele CA382536204.

ClinVar aggregate classification (germline): Uncertain significance (1 of 4 stars; one submission).

Conditions:
Hereditary cancer-predisposing syndrome. Also called: Hereditary Cancer Syndrome; Neoplastic Syndromes, Hereditary; Tumor predisposition; Hereditary neoplastic syndrome. Identifiers: Orphanet 140162, MedGen C0027672, MeSH D009386, MONDO:0015356.

Submission:

Ambry Genetics
Classification: Uncertain significance for Hereditary cancer-predisposing syndrome. Last evaluated: 2016-01-05. Review status: criteria provided, single submitter. Criteria: Ambry Variant Classification Scheme 2023. Collection method: clinical testing. Allele origin: germline.
Comment: The p.H1596D variant (also known as c.4786C>G), located in coding exon 31 of the ATM gene, results from a C to G substitution at nucleotide position 4786. The histidine at codon 1596 is replaced by aspartic acid, an amino acid with similar properties. This variant was not reported in population based cohorts in the following databases: Database of Single Nucleotide Polymorphisms (dbSNP), NHLBI Exome Sequencing Project (ESP), and 1000 Genomes Project. In the ESP, this variant was not observed in 6499 samples (12998 alleles) with coverage at this position. To date, this alteration has been detected with an allele frequency of approximately 0.001% (greater than 125000 alleles tested) in our clinical cohort. This amino acid position is well conserved in available vertebrate species. In addition, the in silico prediction for this alteration is inconclusive. Since supporting evidence is limited at this time, the clinical significance of p.H1596D remains unclear.